The following is an entry in ClinVar:

NM_000180.4(GUCY2D):c.186G>A (p.Trp62Ter)

Gene: GUCY2D (guanylate cyclase 2D, retinal; plus strand). Cytogenetic location: 17p13.1.
Variant type: single nucleotide variant.
Coding change: c.186G>A on transcript NM_000180.4 (MANE Select); coding-DNA position 186, G replaced by A.
Protein change: p.Trp62Ter; replaces tryptophan 62 with a stop codon.
Molecular consequence: nonsense.
Genome position (GRCh38, 1-based): chr17:8,003,233, G>A. VCF-style: chr17-8003233-G-A. GRCh37 (hg19) VCF-style: chr17-7906551-G-A.
Other names: short protein forms W62*.
Identifiers: ClinVar variation 2925598 (VCV002925598.3), dbSNP rs2545417489, ClinGen allele CA397942914.

ClinVar aggregate classification (germline): Pathogenic (1 of 4 stars; one submission).

Conditions:
Leber congenital amaurosis 1 (LCA1). Also called: RETINAL BLINDNESS, CONGENITAL; Congenital absence of the rods and cones; Leber's congenital tapetoretinal degeneration; Leber's congenital tapetoretinal dysplasia; AMAUROSIS CONGENITA OF LEBER I. Identifiers: Orphanet 65, MedGen C2931258, MONDO:0008764, OMIM 204000.
Cone-rod dystrophy 6 (CORD6). Also called: RETINAL CONE DYSTROPHY 2; Cone dystrophy progressive. Identifiers: Orphanet 1872, MedGen C1866293, MONDO:0011143, OMIM 601777.

Submission:

Labcorp Genetics (formerly Invitae), Labcorp
Classification: Pathogenic for Leber congenital amaurosis 1; Cone-rod dystrophy 6. Last evaluated: 2023-12-20. Review status: criteria provided, single submitter. Criteria: Invitae Variant Classification Sherloc (09022015). Collection method: clinical testing. Allele origin: germline.
Comment: This sequence change creates a premature translational stop signal (p.Trp62*) in the GUCY2D gene. It is expected to result in an absent or disrupted protein product. Loss-of-function variants in GUCY2D are known to be pathogenic (PMID: 10951519, 11328726). This variant is not present in population databases (gnomAD no frequency). This premature translational stop signal has been observed in individual(s) with autosomal recessive GUCY2D-related conditions (PMID: 17525851). For these reasons, this variant has been classified as Pathogenic.

Literature cited by the submitters: PubMed 10951519; PubMed 11328726; PubMed 17525851.